The following is an entry in ClinVar:

ClinVar aggregate classification (germline): Likely pathogenic. Review status: criteria provided, single submitter (1 of 4 stars). 3 submissions from 3 submitters: Likely pathogenic (1). 2 of the submissions do not count toward it. Last evaluated 2026-10-05.

Conditions:
Intellectual developmental disorder, X-linked, syndromic 33. Also called: X-linked intellectual disability-global development delay-facial dysmorphism-sacral caudal remnant syndrome; Intellectual disability, X-linked, syndromic 33. Identifiers: Orphanet 480907, MedGen C4225418, MONDO:0010500, OMIM 300966.
Abnormal heart morphology. Also called: Abnormality of cardiac morphology; Heart, malformation of. Identifiers: MedGen C0018798, MeSH D006330, HP:0001627.

Submissions (3):

GeneDx
Classification: Likely pathogenic. Last evaluated: 2026-10-05. Review status: criteria provided, single submitter. Criteria: GeneDx Variant Classification Process June 2021. Collection method: clinical testing. Allele origin: germline.
Comment: Not observed at significant frequency in large population cohorts (gnomAD); In silico analysis supports that this missense variant has a deleterious effect on protein structure/function; This variant is associated with the following publications: (PMID: 35982159, 33057194, 31646703, 30919572, 32396742)

Yale Center for Mendelian Genomics, Yale University
Classification: association for Abnormal heart morphology. Last evaluated: 2020-06-13. Review status: no assertion criteria provided. Collection method: literature only. Allele origin: germline. Affected: yes. Observed: 1 heterozygote. Study: Yale Center for Mendelian Genomics. Not counted in ClinVar's aggregate classification.

Genome Medicine, Institute for Basic Research in Developmental Disabilities
Classification: Likely pathogenic for Intellectual developmental disorder, X-linked, syndromic 33. Last evaluated: 2019-09-23. Review status: no assertion criteria provided. Collection method: clinical testing. Allele origin: de novo. Affected: yes. Not counted in ClinVar's aggregate classification.

Literature cited by the submitters: PubMed 32396742 (cited by Yale Center for Mendelian Genomics, Yale University).

NM_004606.5(TAF1):c.4394A>G (p.His1465Arg)

Gene: TAF1 (TATA-box binding protein associated factor 1; plus strand). Cytogenetic location: Xq13.1.
Variant type: single nucleotide variant.
Coding change: c.4394A>G on transcript NM_004606.5 (MANE Select); coding-DNA position 4394, A replaced by G.
Protein change: p.His1465Arg; replaces histidine 1465 with arginine.
Molecular consequence: missense variant. On other transcripts: non-coding transcript variant (9).
Genome position (GRCh38, 1-based): chrX:71,421,318, A>G. VCF-style: chrX-71421318-A-G. GRCh37 (hg19) VCF-style: chrX-70641168-A-G.
Other names: c.4394A>G, p.His1465Arg (NM_001286074.2); c.4331A>G, p.His1444Arg (NM_138923.4); short protein forms H1485R, H1444R, H1465R.
Identifiers: ClinVar variation 419442 (VCV000419442.7), dbSNP rs1064793874, ClinGen allele CA16621497.
Genomic context (GRCh38, chrX:71,421,318, plus strand): 5'-AGCTTTTGCCTCCCGTTATTAGTGGTTTCATCTCTTTCTGTTCCTCTACAGGGCCAAAAC[A>G]CTCATTGACTCAGATCTCTCAATCCATGCTGGATCTCTGTGATGAAAAACTCAAAGAGGT-3'
Protein context (NP_004597.3, residues 1455-1475): KNSATYNGPK[His1465Arg]SLTQISQSML